The following is an entry in ClinVar:

ClinVar aggregate classification (germline): Likely benign. Review status: criteria provided, multiple submitters, no conflicts (2 of 4 stars). 3 submissions from 3 submitters: Likely benign (3). Last evaluated 2026-07-01.

Conditions:
Inborn genetic diseases. Identifiers: MedGen C0950123, MeSH D030342.
Autosomal recessive spastic paraplegia type 78. Identifiers: Orphanet 513436, MedGen C5567893, MONDO:0014975, OMIM 617225.
Kufor-Rakeb syndrome (KRS). Also called: PARKINSON DISEASE 9, AUTOSOMAL RECESSIVE, JUVENILE-ONSET. Identifiers: Orphanet 306674, Orphanet 314632, MedGen C1847640, MONDO:0011706, OMIM 606693.

Allele frequency attached by ClinVar (database versions not stated): gnomAD 0.00001; gnomAD exomes 0.00002; TOPMed 0.00002; ExAC 0.00004.
gnomAD v4.1: 28 of 1,569,634 alleles (0.0018%); highest among the groups gnomAD compares: Admixed American, 0.0055%; no homozygotes.

Submissions (3):

CeGaT Center for Human Genetics Tuebingen
Classification: Likely benign. Last evaluated: 2026-07-01. Review status: criteria provided, single submitter. Criteria: CeGaT Center For Human Genetics Tuebingen Variant Classification Criteria Version 2. Collection method: clinical testing. Allele origin: germline. Affected: yes. Observed: 1 variant allele.
Comment: ATP13A2: BP4, BP7

Labcorp Genetics (formerly Invitae), Labcorp
Classification: Likely benign for Kufor-Rakeb syndrome; Autosomal recessive spastic paraplegia type 78. Last evaluated: 2022-07-26. Review status: criteria provided, single submitter. Criteria: Invitae Variant Classification Sherloc (09022015). Collection method: clinical testing. Allele origin: germline.

Ambry Genetics
Classification: Likely benign for Inborn genetic diseases. Last evaluated: 2018-11-11. Review status: criteria provided, single submitter. Criteria: Ambry Variant Classification Scheme 2023. Collection method: clinical testing. Allele origin: germline.

NM_022089.4(ATP13A2):c.1563C>T (p.Asp521=)

Gene: ATP13A2 (ATPase cation transporting 13A2; minus strand). Cytogenetic location: 1p36.13.
Variant type: single nucleotide variant.
Coding change: c.1563C>T on transcript NM_022089.4 (MANE Select); coding-DNA position 1563, C replaced by T.
Protein change: p.Asp521=; no amino-acid change (aspartic acid 521 retained).
Molecular consequence: synonymous variant.
Genome position (GRCh38, 1-based): chr1:16,993,815, G>A on the plus strand (C>T on the coding strand, the complement: ATP13A2 is on the minus strand). VCF-style: chr1-16993815-G-A. GRCh37 (hg19) VCF-style: chr1-17320310-G-A.
Other names: c.1548C>T, p.Asp516= (NM_001141973.3, NM_001141974.3).
Identifiers: ClinVar variation 1653694 (VCV001653694.11), dbSNP rs777948791, ClinGen allele CA637141.